The following is an entry in ClinVar:

ClinVar aggregate classification (germline): Uncertain significance (1 of 4 stars; one submission).

Conditions:
Heterotaxy, visceral, 12, autosomal (HTX12). Identifiers: MedGen C5676898, MONDO:0859222, OMIM 619702.

Allele frequency attached by ClinVar (database versions not stated): TOPMed below 0.00001; gnomAD 0.00001.
gnomAD v4.1: 1 of 702,906 alleles (0.00014%); highest among the groups gnomAD compares: Non-Finnish European, 0.00026%; no homozygotes.

Submission:

Institute of Human Genetics, University of Leipzig Medical Center
Classification: Uncertain significance for Heterotaxy, visceral, 12, autosomal. Last evaluated: 2022-12-12. Review status: criteria provided, single submitter. Criteria: ACMG Guidelines, 2015. Collection method: clinical testing. Allele origin: unknown. Affected: yes.
Comment: Criteria applied: PVS1, PM2_SUP

NM_001354640.2(CIROP):c.538G>C (p.Gly180Arg)

Gene: CIROP (ciliated left-right organizer metallopeptidase; minus strand). Cytogenetic location: 14q11.2.
Variant type: single nucleotide variant.
Coding change: c.538G>C on transcript NM_001354640.2 (MANE Select); coding-DNA position 538, G replaced by C.
Protein change: p.Gly180Arg; replaces glycine 180 with arginine.
Molecular consequence: missense variant.
Genome position (GRCh38, 1-based): chr14:23,103,740, C>G on the plus strand (G>C on the coding strand, the complement: CIROP is on the minus strand). VCF-style: chr14-23103740-C-G. GRCh37 (hg19) VCF-style: chr14-23572949-C-G.
Other names: c.547G>C, p.Gly183Arg (NM_001402427.1); short protein forms G180R, G183R.
Identifiers: ClinVar variation 1804115 (VCV001804115.1), dbSNP rs1266315800, ClinGen allele CA704266845.